The following is an entry in ClinVar:

ClinVar aggregate classification (germline): Uncertain significance (1 of 4 stars; one submission).

Allele frequency attached by ClinVar (database versions not stated): gnomAD exomes below 0.00001.
gnomAD v4.1: 1 of 1,578,012 alleles (0.000063%); highest among the groups gnomAD compares: Non-Finnish European, 0.000086%; no homozygotes.

Submission:

Labcorp Genetics (formerly Invitae), Labcorp
Classification: Uncertain significance. Last evaluated: 2022-01-10. Review status: criteria provided, single submitter. Criteria: Invitae Variant Classification Sherloc (09022015). Collection method: clinical testing. Allele origin: germline.
Comment: This sequence change replaces alanine, which is neutral and non-polar, with valine, which is neutral and non-polar, at codon 44 of the UCHL1 protein (p.Ala44Val). This variant is not present in population databases (gnomAD no frequency). In summary, the available evidence is currently insufficient to determine the role of this variant in disease. Therefore, it has been classified as a Variant of Uncertain Significance. Algorithms developed to predict the effect of missense changes on protein structure and function (SIFT, PolyPhen-2, Align-GVGD) all suggest that this variant is likely to be tolerated. This variant has not been reported in the literature in individuals affected with UCHL1-related conditions.

NM_004181.5(UCHL1):c.131C>T (p.Ala44Val)

Gene: UCHL1 (ubiquitin C-terminal hydrolase L1; plus strand). Cytogenetic location: 4p13.
Variant type: single nucleotide variant.
Coding change: c.131C>T on transcript NM_004181.5 (MANE Select); coding-DNA position 131, C replaced by T.
Protein change: p.Ala44Val; replaces alanine 44 with valine.
Molecular consequence: missense variant.
Genome position (GRCh38, 1-based): chr4:41,257,694, C>T. VCF-style: chr4-41257694-C-T. GRCh37 (hg19) VCF-style: chr4-41259711-C-T.
Other names: short protein forms A44V.
Identifiers: ClinVar variation 2072125 (VCV002072125.4), dbSNP rs2551922171, ClinGen allele CA356731743.
Genomic context (GRCh38, chr4:41,257,694, plus strand): 5'-GCCAGTGGCGCTTCGTGGACGTGCTGGGGCTGGAAGAGGAGTCTCTGGGCTCGGTGCCAG[C>T]GCCTGCCTGCGCGCTGCTGCTGCTGTTTCCCCTCACGGCCCAGGTAGGGCGTGGGGCCCA-3'
Protein context (NP_004172.2, residues 34-54): LEEESLGSVP[Ala44Val]PACALLLLFP